The following is an entry in ClinVar:

NM_001080449.3(DNA2):c.1457A>G (p.Glu486Gly)

Gene: DNA2 (DNA replication helicase/nuclease 2; minus strand). Cytogenetic location: 10q21.3.
Variant type: single nucleotide variant.
Coding change: c.1457A>G on transcript NM_001080449.3 (MANE Select); coding-DNA position 1457, A replaced by G.
Protein change: p.Glu486Gly; replaces glutamic acid 486 with glycine.
Molecular consequence: missense variant. On other transcripts: non-coding transcript variant (1).
Genome position (GRCh38, 1-based): chr10:68,437,200, T>C on the plus strand (A>G on the coding strand, the complement: DNA2 is on the minus strand). VCF-style: chr10-68437200-T-C. GRCh37 (hg19) VCF-style: chr10-70196957-T-C.
Other names: c.1457A>G (NM_001080449.2); short protein forms E486G.
Identifiers: ClinVar variation 2899469 (VCV002899469.4), dbSNP rs1564884622, ClinGen allele CA376860526.
Genomic context (GRCh38, chr10:68,437,200, plus strand): 5'-GCACCATGTTTACATTGGAAATTATGTAAATATTGCCCATCACAAACTATCTTTACATGT[T>C]CCATTCTAATCAGGTTTCCAATGCAACTGCCACTCTTCTCCCTATGAAAAGACCAAAGAG-3'
Protein context (NP_001073918.2, residues 476-496): GSCIGNLIRM[Glu486Gly]HVKIVCDGQY

ClinVar aggregate classification (germline): Uncertain significance. Review status: criteria provided, multiple submitters, no conflicts (2 of 4 stars). 2 submissions from 2 submitters: Uncertain significance (2). Last evaluated 2024-09-09.

Conditions:
Inborn genetic diseases. Identifiers: MedGen C0950123, MeSH D030342.

Allele frequency attached by ClinVar (database versions not stated): gnomAD exomes 0.00001; TOPMed 0.00002.

Submissions (2):

Ambry Genetics
Classification: Uncertain significance for Inborn genetic diseases. Last evaluated: 2024-09-09. Review status: criteria provided, single submitter. Criteria: Ambry Variant Classification Scheme 2023. Collection method: clinical testing. Allele origin: germline.

Labcorp Genetics (formerly Invitae), Labcorp
Classification: Uncertain significance. Last evaluated: 2023-06-14. Review status: criteria provided, single submitter. Criteria: Invitae Variant Classification Sherloc (09022015). Collection method: clinical testing. Allele origin: germline.
Comment: This sequence change replaces glutamic acid, which is acidic and polar, with glycine, which is neutral and non-polar, at codon 486 of the DNA2 protein (p.Glu486Gly). This variant is not present in population databases (gnomAD no frequency). This variant has not been reported in the literature in individuals affected with DNA2-related conditions. Advanced modeling of protein sequence and biophysical properties (such as structural, functional, and spatial information, amino acid conservation, physicochemical variation, residue mobility, and thermodynamic stability) performed at Invitae indicates that this missense variant is not expected to disrupt DNA2 protein function. Algorithms developed to predict the effect of sequence changes on RNA splicing suggest that this variant may disrupt the consensus splice site. In summary, the available evidence is currently insufficient to determine the role of this variant in disease. Therefore, it has been classified as a Variant of Uncertain Significance.